The following is an entry in ClinVar:

ClinVar aggregate classification (germline): Uncertain significance (1 of 4 stars; one submission).

Conditions:
Tuberous sclerosis 1 (TSC1). Identifiers: Orphanet 805, MedGen C1854465, MONDO:0008612, OMIM 191100.

Submission:

Labcorp Genetics (formerly Invitae), Labcorp
Classification: Uncertain significance for Tuberous sclerosis 1. Last evaluated: 2024-10-21. Review status: criteria provided, single submitter. Criteria: Invitae Variant Classification Sherloc (09022015). Collection method: clinical testing. Allele origin: germline.
Comment: This sequence change replaces leucine, which is neutral and non-polar, with arginine, which is basic and polar, at codon 140 of the TSC1 protein (p.Leu140Arg). This variant is not present in population databases (gnomAD no frequency). This variant has not been reported in the literature in individuals affected with TSC1-related conditions. Invitae Evidence Modeling of protein sequence and biophysical properties (such as structural, functional, and spatial information, amino acid conservation, physicochemical variation, residue mobility, and thermodynamic stability) indicates that this missense variant is expected to disrupt TSC1 protein function with a positive predictive value of 80%. In summary, the available evidence is currently insufficient to determine the role of this variant in disease. Therefore, it has been classified as a Variant of Uncertain Significance.

NM_000368.5(TSC1):c.419T>G (p.Leu140Arg)

Gene: TSC1 (TSC complex subunit 1; minus strand). Cytogenetic location: 9q34.13.
Variant type: single nucleotide variant.
Coding change: c.419T>G on transcript NM_000368.5 (MANE Select); coding-DNA position 419, T replaced by G.
Protein change: p.Leu140Arg; replaces leucine 140 with arginine.
Molecular consequence: missense variant. On other transcripts: 5 prime UTR variant (5), non-coding transcript variant (5).
Genome position (GRCh38, 1-based): chr9:132,923,437, A>C on the plus strand (T>G on the coding strand, the complement: TSC1 is on the minus strand). VCF-style: chr9-132923437-A-C. GRCh37 (hg19) VCF-style: chr9-135798824-A-C.
Other names: c.419T>G, p.Leu140Arg (NM_001162426.2, NM_001406592.1, NM_001406593.1 and 16 more transcripts); c.266T>G, p.Leu89Arg (NM_001162427.2, NM_001406610.1, NM_001406611.1 and 2 more transcripts); c.56T>G, p.Leu19Arg (NM_001362177.2, NM_001406615.1, NM_001406616.1 and 10 more transcripts); c.-459T>G (NM_001406626.1, NM_001406627.1, NM_001406628.1); c.-601T>G (NM_001406629.1); c.-675T>G (NM_001406630.1); short protein forms L19R, L89R, L140R.
Identifiers: ClinVar variation 3720848 (VCV003720848.2).
Genomic context (GRCh38, chr9:132,923,437, plus strand): 5'-CGGCCAAAAATGTCAAAGAAATCAAGAAGATGCTGTTTCCCAGACTGTGGAATCATTGGT[A>C]GCATGGTTATCAACACCAAGACGCCTGTTGTGAGGACAACGACGTCAGTGTCCATCTGCA-3'
Protein context (NP_000359.1, residues 130-150): TTGVLVLITM[Leu140Arg]PMIPQSGKQH